The following continues an entry in ClinVar:

NM_000053.4(ATP7B):c.3243+5G>A

Gene: ATP7B. ClinVar aggregate classification (germline): Conflicting classifications of pathogenicity. Pathogenic (1); Likely pathogenic (3); Uncertain significance (11).

Submissions 11 to 15 of 15:

Revvity Omics, Revvity
Classification: Likely pathogenic for Wilson disease. Last evaluated: 2023-07-11. Review status: criteria provided, single submitter. Criteria: ACMG Guidelines, 2015. Collection method: clinical testing. Allele origin: germline.

Baylor Genetics
Classification: Uncertain significance for Wilson disease. Last evaluated: 2023-04-10. Review status: criteria provided, single submitter. Criteria: ACMG Guidelines, 2015. Collection method: clinical testing. Allele origin: unknown.

ARUP Laboratories, Molecular Genetics and Genomics, ARUP Laboratories
Classification: Uncertain significance for Wilson disease. Last evaluated: 2022-12-23. Review status: criteria provided, single submitter. Criteria: ARUP Molecular Germline Variant Investigation Process 2024. Collection method: clinical testing. Allele origin: germline.
Comment: The ATP7B c.3243+5G>A variant (rs373193482) is reported in the literature in compound heterozygous individuals diagnosed with Wilson disease (Aggarwal 2013, Collins 2021, Ferenci 2014). This variant is also reported in ClinVar (Variation ID: 377539). It is observed in the general population with an overall allele frequency of 0.03% (98/280296 alleles) in the Genome Aggregation Database. This is an intronic variant in a weakly conserved nucleotide, but computational analyses (Alamut v.2.11) predict that this variant may impact splicing by weakening the nearby canonical donor splice site. However, due to the lack of functional data, the clinical significance of this variant is uncertain at this time. References: Aggarwal A et al. Wilson disease mutation pattern with genotype-phenotype correlations from Western India: confirmation of p.C271* as a common Indian mutation and identification of 14 novel mutations. Ann Hum Genet. 2013 Jul;77(4):299-307. PMID: 23551039. Collins CJ et al. Direct Measurement of ATP7B Peptides Is Highly Effective in the Diagnosis of Wilson Disease. Gastroenterology. 2021 Jun;160(7):2367-2382.e1. PMID: 33640437. Ferenci P. Phenotype-genotype correlations in patients with Wilson's disease. Ann N Y Acad Sci. 2014 May;1315:1-5. PMID: 24517292.

Labcorp Genetics (formerly Invitae), Labcorp
Classification: Uncertain significance for Wilson disease. Last evaluated: 2022-09-27. Review status: criteria provided, single submitter. Criteria: Invitae Variant Classification Sherloc (09022015). Collection method: clinical testing. Allele origin: germline.
Comment: This sequence change falls in intron 14 of the ATP7B gene. It does not directly change the encoded amino acid sequence of the ATP7B protein. It affects a nucleotide within the consensus splice site. This variant is present in population databases (rs373193482, gnomAD 0.2%). This variant has been observed in individual(s) with Wilson disease (PMID: 23518715, 23551039, 24517292, 34324271). ClinVar contains an entry for this variant (Variation ID: 377539). Variants that disrupt the consensus splice site are a relatively common cause of aberrant splicing (PMID: 17576681, 9536098). Algorithms developed to predict the effect of sequence changes on RNA splicing suggest that this variant is not likely to affect RNA splicing. In summary, the available evidence is currently insufficient to determine the role of this variant in disease. Therefore, it has been classified as a Variant of Uncertain Significance.

Genome-Nilou Lab
Classification: Uncertain significance for Wilson disease. Last evaluated: 2021-09-05. Review status: criteria provided, single submitter. Criteria: ACMG Guidelines, 2015. Collection method: clinical testing. Allele origin: germline. Affected: no.

Literature cited by the submitters: PubMed 35220961 (cited by Natera, Inc. and Women's Health and Genetics/Laboratory Corporation of America, LabCorp); PubMed 23551039 (cited by 7 submitters); PubMed 34324271 (cited by 7 submitters); PubMed 23518715 (cited by 3 submitters); PubMed 24517292 (cited by 4 submitters); PubMed 30232804 (cited by Mayo Clinic Laboratories, Mayo Clinic and Women's Health and Genetics/Laboratory Corporation of America, LabCorp); PubMed 32248359 (cited by Mayo Clinic Laboratories, Mayo Clinic and Women's Health and Genetics/Laboratory Corporation of America, LabCorp); PubMed 33640437 (cited by Mayo Clinic Laboratories, Mayo Clinic and Women's Health and Genetics/Laboratory Corporation of America, LabCorp); PubMed 36112267 (cited by Women's Health and Genetics/Laboratory Corporation of America, LabCorp and Victorian Clinical Genetics Services, Murdoch Childrens Research Institute); PubMed 20818655 (cited by Victorian Clinical Genetics Services, Murdoch Childrens Research Institute); PubMed 17576681 (cited by Labcorp Genetics (formerly Invitae), Labcorp); PubMed 9536098 (cited by Labcorp Genetics (formerly Invitae), Labcorp).